The following is an entry in ClinVar:

ClinVar aggregate classification (germline): Uncertain significance (1 of 4 stars; one submission).

Conditions:
Nemaline myopathy 2 (NEM2). Also called: Nemaline myopathy 2, autosomal recessive. Identifiers: MedGen C1850569, MONDO:0009725, OMIM 256030.

Allele frequency attached by ClinVar (database versions not stated): gnomAD 0.00001.

Submission:

Labcorp Genetics (formerly Invitae), Labcorp
Classification: Uncertain significance for Nemaline myopathy 2. Last evaluated: 2022-08-17. Review status: criteria provided, single submitter. Criteria: Invitae Variant Classification Sherloc (09022015). Collection method: clinical testing. Allele origin: germline.
Comment: This sequence change replaces leucine, which is neutral and non-polar, with proline, which is neutral and non-polar, at codon 6404 of the NEB protein (p.Leu6404Pro). This variant is not present in population databases (gnomAD no frequency). This variant has not been reported in the literature in individuals affected with NEB-related conditions. Algorithms developed to predict the effect of missense changes on protein structure and function are either unavailable or do not agree on the potential impact of this missense change (SIFT: "Deleterious"; PolyPhen-2: "Not Available"; Align-GVGD: "Class C0"). In summary, the available evidence is currently insufficient to determine the role of this variant in disease. Therefore, it has been classified as a Variant of Uncertain Significance.

NM_001164508.2(NEB):c.19211T>C (p.Leu6404Pro)

Gene: NEB (nebulin; minus strand). Cytogenetic location: 2q23.3.
Variant type: single nucleotide variant.
Coding change: c.19211T>C on transcript NM_001164508.2 (MANE Select); coding-DNA position 19211, T replaced by C.
Protein change: p.Leu6404Pro; replaces leucine 6404 with proline.
Molecular consequence: missense variant.
Genome position (GRCh38, 1-based): chr2:151,560,695, A>G on the plus strand (T>C on the coding strand, the complement: NEB is on the minus strand). VCF-style: chr2-151560695-A-G. GRCh37 (hg19) VCF-style: chr2-152417209-A-G.
Other names: c.19211T>C, p.Leu6404Pro (NM_001164507.2, NM_001271208.2); c.14108T>C, p.Leu4703Pro (NM_004543.5); short protein forms L6404P, L4703P.
Identifiers: ClinVar variation 2144142 (VCV002144142.1), dbSNP rs2095981546, ClinGen allele CA348794199.